The following is an entry in ClinVar:

NM_014141.6(CNTNAP2):c.1066T>A (p.Leu356Ile)

Gene: CNTNAP2 (contactin associated protein 2; plus strand). Cytogenetic location: 7q35.
Variant type: single nucleotide variant.
Coding change: c.1066T>A on transcript NM_014141.6 (MANE Select); coding-DNA position 1066, T replaced by A.
Protein change: p.Leu356Ile; replaces leucine 356 with isoleucine.
Molecular consequence: missense variant.
Genome position (GRCh38, 1-based): chr7:147,128,819, T>A. VCF-style: chr7-147128819-T-A. GRCh37 (hg19) VCF-style: chr7-146825911-T-A.
Other names: short protein forms L356I.
Identifiers: ClinVar variation 1782032 (VCV001782032.2), dbSNP rs1801292688, ClinGen allele CA369924402.

ClinVar aggregate classification (germline): Uncertain significance (1 of 4 stars; one submission).

Conditions:
Inborn genetic diseases. Identifiers: MedGen C0950123, MeSH D030342.

Allele frequency attached by ClinVar (database versions not stated): gnomAD exomes below 0.00001.
gnomAD v4.1: 1 of 1,614,010 alleles (0.000062%); highest among the groups gnomAD compares: Non-Finnish European, 0.000085%; no homozygotes.

Submission:

Ambry Genetics
Classification: Uncertain significance for Inborn genetic diseases. Last evaluated: 2017-09-20. Review status: criteria provided, single submitter. Criteria: Ambry Variant Classification Scheme 2023. Collection method: clinical testing. Allele origin: germline.
Comment: The p.L356I variant (also known as c.1066T>A), located in coding exon 7 of the CNTNAP2 gene, results from a T to A substitution at nucleotide position 1066. The leucine at codon 356 is replaced by isoleucine, an amino acid with highly similar properties. This amino acid position is well conserved in available vertebrate species. In addition, this alteration is predicted to be tolerated by in silico analysis. Since supporting evidence is limited at this time, the clinical significance of this alteration remains unclear.